The following is an entry in ClinVar:

NM_006946.4(SPTBN2):c.3800C>T (p.Ala1267Val)

Gene: SPTBN2 (spectrin beta, non-erythrocytic 2; minus strand). Cytogenetic location: 11q13.2.
Variant type: single nucleotide variant.
Coding change: c.3800C>T on transcript NM_006946.4 (MANE Select); coding-DNA position 3800, C replaced by T.
Protein change: p.Ala1267Val; replaces alanine 1267 with valine.
Molecular consequence: missense variant.
Genome position (GRCh38, 1-based): chr11:66,699,059, G>A on the plus strand (C>T on the coding strand, the complement: SPTBN2 is on the minus strand). VCF-style: chr11-66699059-G-A. GRCh37 (hg19) VCF-style: chr11-66466530-G-A.
Other names: c.3800C>T (NM_006946.3); short protein forms A1267V.
Identifiers: ClinVar variation 502387 (VCV000502387.21), dbSNP rs148065361, ClinGen allele CA6128755.

ClinVar aggregate classification (germline): Conflicting classifications of pathogenicity. Review status: criteria provided, conflicting classifications (1 of 4 stars). 8 submissions from 8 submitters: Uncertain significance (4); Likely benign (4). Last evaluated 2025-12-15.

Conditions:
SPTBN2-related disorder. Also called: SPTBN2-related condition.
Inborn genetic diseases. Identifiers: MedGen C0950123, MeSH D030342.
Spinocerebellar ataxia type 5 (SCA5). Identifiers: Orphanet 98766, MedGen C0752123, MONDO:0010848, OMIM 600224.
Autosomal recessive spinocerebellar ataxia 14. Also called: CEREBELLAR ATAXIA, AUTOSOMAL RECESSIVE, SPECTRIN-ASSOCIATED, 1. Identifiers: Orphanet 352403, MedGen C4706415, MONDO:0014159, OMIM 615386.

Allele frequency attached by ClinVar (database versions not stated): gnomAD exomes 0.00018 and 0.00052; ESP Exome Variant Server 0.00023; gnomAD 0.00031 and 0.00038; ExAC 0.00045; TOPMed 0.00050; 1000 Genomes Project 30x 0.00078; 1000 Genomes Project 0.00080.
gnomAD v4.1: 325 of 1,614,206 alleles (0.02%); highest among the groups gnomAD compares: Admixed American, 0.36%; 3 homozygotes.

Submissions (8):

Labcorp Genetics (formerly Invitae), Labcorp
Classification: Likely benign. Last evaluated: 2025-12-15. Review status: criteria provided, single submitter. Criteria: Invitae Variant Classification Sherloc (09022015). Collection method: clinical testing. Allele origin: germline.

PreventionGenetics, part of Exact Sciences
Classification: Likely benign for SPTBN2-related condition. Last evaluated: 2025-11-17. Review status: criteria provided, single submitter. Criteria: ACMG Guidelines, 2015. Collection method: clinical testing. Allele origin: germline.
Comment: This variant is classified as likely benign based on ACMG/AMP sequence variant interpretation guidelines (Richards et al. 2015 PMID: 25741868, with internal and published modifications).

Ambry Genetics
Classification: Likely benign for Inborn genetic diseases. Last evaluated: 2025-08-26. Review status: criteria provided, single submitter. Criteria: Ambry Variant Classification Scheme 2023. Collection method: clinical testing. Allele origin: germline.

GeneDx
Classification: Uncertain significance. Last evaluated: 2025-05-20. Review status: criteria provided, single submitter. Criteria: GeneDx Variant Classification Process June 2021. Collection method: clinical testing. Allele origin: germline.
Comment: In silico analysis supports that this missense variant has a deleterious effect on protein structure/function; Has not been previously published as pathogenic or benign to our knowledge

Blueprint Genetics
Classification: Likely benign. Last evaluated: 2024-09-12. Review status: criteria provided, single submitter. Criteria: ACMG Guidelines, 2015. Collection method: clinical testing. Allele origin: germline.

Revvity Omics, Revvity
Classification: Uncertain significance. Last evaluated: 2023-10-20. Review status: criteria provided, single submitter. Criteria: ACMG Guidelines, 2015. Collection method: clinical testing. Allele origin: germline.

Fulgent Genetics
Classification: Uncertain significance for Spinocerebellar ataxia type 5; Autosomal recessive spinocerebellar ataxia 14. Last evaluated: 2018-10-31. Review status: criteria provided, single submitter. Criteria: ACMG Guidelines, 2015. Collection method: clinical testing. Allele origin: unknown.

Eurofins Ntd Llc (ga)
Classification: Uncertain significance. Last evaluated: 2017-06-12. Review status: criteria provided, single submitter. Criteria: EGL Classification Definitions 2015. Collection method: clinical testing. Allele origin: germline. Observed: 1 variant allele, 1 heterozygote.